The following is an entry in ClinVar:

ClinVar aggregate classification (germline): Uncertain significance. Review status: criteria provided, multiple submitters, no conflicts (2 of 4 stars). 2 submissions from 2 submitters: Uncertain significance (2). Last evaluated 2022-08-07.

Conditions:
RASopathy. Also called: rasopathies; Noonan spectrum disorder. Identifiers: Orphanet 536391, MedGen C5555857, MONDO:0021060.

Allele frequency attached by ClinVar (database versions not stated): gnomAD exomes below 0.00001.
gnomAD v4.1: 4 of 1,614,026 alleles (0.00025%); highest among the groups gnomAD compares: Non-Finnish European, 0.00034%; no homozygotes.

Submissions (2):

Labcorp Genetics (formerly Invitae), Labcorp
Classification: Uncertain significance for RASopathy. Last evaluated: 2022-08-07. Review status: criteria provided, single submitter. Criteria: Invitae Variant Classification Sherloc (09022015). Collection method: clinical testing. Allele origin: germline.
Comment: Algorithms developed to predict the effect of missense changes on protein structure and function (SIFT, PolyPhen-2, Align-GVGD) all suggest that this variant is likely to be disruptive. In summary, the available evidence is currently insufficient to determine the role of this variant in disease. Therefore, it has been classified as a Variant of Uncertain Significance. ClinVar contains an entry for this variant (Variation ID: 567279). This variant has not been reported in the literature in individuals affected with CBL-related conditions. This variant is not present in population databases (gnomAD no frequency). This sequence change replaces lysine, which is basic and polar, with asparagine, which is neutral and polar, at codon 166 of the CBL protein (p.Lys166Asn).

GeneDx
Classification: Uncertain significance. Last evaluated: 2020-01-16. Review status: criteria provided, single submitter. Criteria: GeneDx Variant Classification Process June 2021. Collection method: clinical testing. Allele origin: germline. Affected: yes.
Comment: Not observed in large population cohorts (Lek et al., 2016); In silico analysis, which includes protein predictors and evolutionary conservation, supports a deleterious effect; Has not been previously published as pathogenic or benign to our knowledge

NM_005188.4(CBL):c.498A>C (p.Lys166Asn)

Gene: CBL (Cbl proto-oncogene; plus strand). Cytogenetic location: 11q23.3.
Variant type: single nucleotide variant.
Coding change: c.498A>C on transcript NM_005188.4 (MANE Select); coding-DNA position 498, A replaced by C.
Protein change: p.Lys166Asn; replaces lysine 166 with asparagine.
Molecular consequence: missense variant.
Genome position (GRCh38, 1-based): chr11:119,271,789, A>C. VCF-style: chr11-119271789-A-C. GRCh37 (hg19) VCF-style: chr11-119142499-A-C.
Other names: c.498A>C (NM_005188.2); short protein forms K166N.
Identifiers: ClinVar variation 567279 (VCV000567279.12), dbSNP rs1565870421, ClinGen allele CA382907295.
Genomic context (GRCh38, chr11:119,271,789, plus strand): 5'-TTGTAGGCGAAACCTAACCAAACTGTCCCTCATCTTCAGCCACATGCTGGCAGAACTAAA[A>C]GGAATCTTTCCAAGTGGACTCTTTCAGGGAGACACATTTCGGATTACTAAAGCAGATGCT-3'
Protein context (NP_005179.2, residues 156-176): LIFSHMLAEL[Lys166Asn]GIFPSGLFQG